The following is an entry in ClinVar:

ClinVar aggregate classification (germline): Uncertain significance (1 of 4 stars; one submission).

Submission:

Labcorp Genetics (formerly Invitae), Labcorp
Classification: Uncertain significance. Last evaluated: 2023-11-18. Review status: criteria provided, single submitter. Criteria: Invitae Variant Classification Sherloc (09022015). Collection method: clinical testing. Allele origin: germline.
Comment: This sequence change replaces cysteine, which is neutral and slightly polar, with arginine, which is basic and polar, at codon 1243 of the NOTCH3 protein (p.Cys1243Arg). This variant is not present in population databases (gnomAD no frequency). This variant has not been reported in the literature in individuals affected with NOTCH3-related conditions. Advanced modeling of protein sequence and biophysical properties (such as structural, functional, and spatial information, amino acid conservation, physicochemical variation, residue mobility, and thermodynamic stability) performed at Invitae indicates that this missense variant is expected to disrupt NOTCH3 protein function with a positive predictive value of 95%. In summary, the available evidence is currently insufficient to determine the role of this variant in disease. Therefore, it has been classified as a Variant of Uncertain Significance.

NM_000435.3(NOTCH3):c.3727T>C (p.Cys1243Arg)

Gene: NOTCH3 (notch receptor 3; minus strand). Cytogenetic location: 19p13.12.
Variant type: single nucleotide variant.
Coding change: c.3727T>C on transcript NM_000435.3 (MANE Select); coding-DNA position 3727, T replaced by C.
Protein change: p.Cys1243Arg; replaces cysteine 1243 with arginine.
Molecular consequence: missense variant.
Genome position (GRCh38, 1-based): chr19:15,178,933, A>G on the plus strand (T>C on the coding strand, the complement: NOTCH3 is on the minus strand). VCF-style: chr19-15178933-A-G. GRCh37 (hg19) VCF-style: chr19-15289744-A-G.
Other names: short protein forms C1243R.
Identifiers: ClinVar variation 2788824 (VCV002788824.3), dbSNP rs2512640075, ClinGen allele CA404508224.